The following is an entry in ClinVar:

ClinVar aggregate classification (germline): Uncertain significance. Review status: criteria provided, multiple submitters, no conflicts (2 of 4 stars). 3 submissions from 3 submitters: Uncertain significance (3). Last evaluated 2026-08-19.

Conditions:
Hereditary nonpolyposis colorectal neoplasms. Identifiers: MedGen C0009405, MeSH D003123.
Hereditary cancer-predisposing syndrome. Also called: Tumor predisposition; Hereditary neoplastic syndrome; Neoplastic Syndromes, Hereditary; Hereditary Cancer Syndrome. Identifiers: Orphanet 140162, MedGen C0027672, MeSH D009386, MONDO:0015356.

gnomAD v4.1: 1 of 1,612,366 alleles (0.000062%); highest among the groups gnomAD compares: Non-Finnish European, 0.000085%; no homozygotes.

Submissions (3):

Ambry Genetics
Classification: Uncertain significance for Hereditary cancer-predisposing syndrome. Last evaluated: 2026-08-19. Review status: criteria provided, single submitter. Criteria: Ambry Variant Classification Scheme 2023. Collection method: clinical testing. Allele origin: germline.
Comment: The p.D1181V variant (also known as c.3542A>T), located in coding exon 6 of the MSH6 gene, results from an A to T substitution at nucleotide position 3542. The aspartic acid at codon 1181 is replaced by valine, an amino acid with highly dissimilar properties. This amino acid position is highly conserved in available vertebrate species. In addition, this alteration is predicted to be deleterious by in silico analysis. Based on the available evidence, the clinical significance of this variant remains unclear.

Color Diagnostics, LLC DBA Color Health
Classification: Uncertain significance for Hereditary cancer-predisposing syndrome. Last evaluated: 2024-03-07. Review status: criteria provided, single submitter. Criteria: ACMG Guidelines, 2015. Collection method: clinical testing. Allele origin: germline.
Comment: This missense variant replaces aspartic acid with valine at codon 1181 of the MSH6 protein. Computational prediction suggests that this variant may have deleterious impact on protein structure and function (internally defined REVEL score threshold >= 0.7, PMID: 27666373). Splice site prediction tools suggest that this variant may not impact RNA splicing. To our knowledge, functional studies have not been performed for this variant. This variant has not been reported in individuals affected with hereditary cancer in the literature. This variant has not been identified in the general population by the Genome Aggregation Database (gnomAD). The available evidence is insufficient to determine the role of this variant in disease conclusively. Therefore, this variant is classified as a Variant of Uncertain Significance.

Labcorp Genetics (formerly Invitae), Labcorp
Classification: Uncertain significance for Hereditary nonpolyposis colorectal neoplasms. Last evaluated: 2020-12-01. Review status: criteria provided, single submitter. Criteria: Invitae Variant Classification Sherloc (09022015). Collection method: clinical testing. Allele origin: germline.
Comment: This variant is not present in population databases (ExAC no frequency). This sequence change replaces aspartic acid with valine at codon 1181 of the MSH6 protein (p.Asp1181Val). The aspartic acid residue is highly conserved and there is a large physicochemical difference between aspartic acid and valine. In summary, the available evidence is currently insufficient to determine the role of this variant in disease. Therefore, it has been classified as a Variant of Uncertain Significance. Algorithms developed to predict the effect of missense changes on protein structure and function (SIFT, PolyPhen-2, Align-GVGD) all suggest that this variant is likely to be disruptive, but these predictions have not been confirmed by published functional studies and their clinical significance is uncertain. This variant has not been reported in the literature in individuals with MSH6-related conditions.

NM_000179.3(MSH6):c.3542A>T (p.Asp1181Val)

Gene: MSH6 (mutS homolog 6; plus strand). Cytogenetic location: 2p16.3.
Variant type: single nucleotide variant.
Coding change: c.3542A>T on transcript NM_000179.3 (MANE Select); coding-DNA position 3542, A replaced by T.
Protein change: p.Asp1181Val; replaces aspartic acid 1181 with valine.
Molecular consequence: missense variant.
Genome position (GRCh38, 1-based): chr2:47,805,013, A>T. VCF-style: chr2-47805013-A-T. GRCh37 (hg19) VCF-style: chr2-48032152-A-T.
Other names: c.3152A>T, p.Asp1051Val (NM_001281492.2); c.2636A>T, p.Asp879Val (NM_001281493.2, NM_001281494.2); short protein forms D1051V, D1181V, D879V.
Identifiers: ClinVar variation 823907 (VCV000823907.20), dbSNP rs876660216, ClinGen allele CA346760248.